The following is an entry in ClinVar:

ClinVar aggregate classification (germline): Uncertain significance (1 of 4 stars; one submission).

Conditions:
Autosomal recessive nonsyndromic hearing loss 18B. Also called: Deafness, autosomal recessive 18b. Identifiers: Orphanet 90636, MedGen C3554163, MONDO:0013985, OMIM 614945.

Allele frequency attached by ClinVar (database versions not stated): gnomAD 0.00001; gnomAD exomes 0.00001; TOPMed 0.00001.
gnomAD v4.1: 16 of 1,550,494 alleles (0.001%); highest among the groups gnomAD compares: Middle Eastern, 0.083%; no homozygotes.

Submission:

Baylor Genetics
Classification: Uncertain significance for Autosomal recessive nonsyndromic hearing loss 18B. Last evaluated: 2020-06-03. Review status: criteria provided, single submitter. Criteria: ACMG Guidelines, 2015. Collection method: clinical testing. Allele origin: unknown. Affected: yes.
Comment: This variant was determined to be of uncertain significance according to ACMG Guidelines, 2015 [PMID:25741868].

NM_001292063.2(OTOG):c.5696C>A (p.Ser1899Tyr)

Gene: OTOG (otogelin; plus strand). Cytogenetic location: 11p15.1.
Variant type: single nucleotide variant.
Coding change: c.5696C>A on transcript NM_001292063.2 (MANE Select); coding-DNA position 5696, C replaced by A.
Protein change: p.Ser1899Tyr; replaces serine 1899 with tyrosine.
Molecular consequence: missense variant.
Genome position (GRCh38, 1-based): chr11:17,610,996, C>A. VCF-style: chr11-17610996-C-A. GRCh37 (hg19) VCF-style: chr11-17632543-C-A.
Other names: c.5732C>A, p.Ser1911Tyr (NM_001277269.2); short protein forms S1911Y, S1899Y.
Identifiers: ClinVar variation 1031280 (VCV001031280.1), dbSNP rs894980888, ClinGen allele CA218476866.
Genomic context (GRCh38, chr11:17,610,996, plus strand): 5'-GAGCCACATTGCCAACCTCTGGAGTCCTGCCTGTGGCTGAGGGCACGGCCTCCATGGTAT[C>A]TGTTGTCCCACGAAAGAGCACCACAGGGAAGGTGGCCATCCTATCCAAGCAAGTGTCTCT-3'
Protein context (NP_001278992.1, residues 1889-1909): PVAEGTASMV[Ser1899Tyr]VVPRKSTTGK